The following is an entry in ClinVar:

NM_213599.3(ANO5):c.1889C>G (p.Ala630Gly)

Gene: ANO5 (anoctamin 5; plus strand). Cytogenetic location: 11p14.3.
Variant type: single nucleotide variant.
Coding change: c.1889C>G on transcript NM_213599.3 (MANE Select); coding-DNA position 1889, C replaced by G.
Protein change: p.Ala630Gly; replaces alanine 630 with glycine.
Molecular consequence: missense variant.
Genome position (GRCh38, 1-based): chr11:22,263,034, C>G. VCF-style: chr11-22263034-C-G. GRCh37 (hg19) VCF-style: chr11-22284580-C-G.
Other names: c.1886C>G, p.Ala629Gly (NM_001142649.2); c.1847C>G, p.Ala616Gly (NM_001410963.1); c.1844C>G, p.Ala615Gly (NM_001410964.1); short protein forms A615G, A616G, A629G, A630G.
Identifiers: ClinVar variation 2050750 (VCV002050750.5), dbSNP rs755231182, ClinGen allele CA5923381.

ClinVar aggregate classification (germline): Uncertain significance. Review status: criteria provided, multiple submitters, no conflicts (2 of 4 stars). 2 submissions from 2 submitters: Uncertain significance (2). Last evaluated 2024-06-25.

Conditions:
Gnathodiaphyseal dysplasia (GDD). Also called: GNATHODIAPHYSEAL SCLEROSIS; OSTEOGENESIS IMPERFECTA WITH UNUSUAL SKELETAL LESIONS. Identifiers: Orphanet 53697, MedGen C1833736, MONDO:0008151, OMIM 166260.
Autosomal recessive limb-girdle muscular dystrophy type 2L (LGMDR12). Also called: MUSCULAR DYSTROPHY, LIMB-GIRDLE, AUTOSOMAL RECESSIVE 12; Limb-girdle muscular dystrophy, type 2L; Limb-Girdle Muscular Dystrophy R12 Anoctamin-5-Related (LGMD-R12). Identifiers: Orphanet 206549, MedGen C1969785, MONDO:0012652, OMIM 611307.
Inborn genetic diseases. Identifiers: MedGen C0950123, MeSH D030342.

gnomAD v4.1: 13 of 1,608,472 alleles (0.00081%); highest among the groups gnomAD compares: South Asian, 0.0044%; no homozygotes.

Submissions (2):

Ambry Genetics
Classification: Uncertain significance for Inborn genetic diseases. Last evaluated: 2024-06-25. Review status: criteria provided, single submitter. Criteria: Ambry Variant Classification Scheme 2023. Collection method: clinical testing. Allele origin: germline.

Labcorp Genetics (formerly Invitae), Labcorp
Classification: Uncertain significance for Autosomal recessive limb-girdle muscular dystrophy type 2L; Gnathodiaphyseal dysplasia. Last evaluated: 2023-04-09. Review status: criteria provided, single submitter. Criteria: Invitae Variant Classification Sherloc (09022015). Collection method: clinical testing. Allele origin: germline.
Comment: This variant is present in population databases (rs755231182, gnomAD 0.009%). This sequence change replaces alanine, which is neutral and non-polar, with glycine, which is neutral and non-polar, at codon 630 of the ANO5 protein (p.Ala630Gly). In summary, the available evidence is currently insufficient to determine the role of this variant in disease. Therefore, it has been classified as a Variant of Uncertain Significance. Advanced modeling of protein sequence and biophysical properties (such as structural, functional, and spatial information, amino acid conservation, physicochemical variation, residue mobility, and thermodynamic stability) has been performed at Invitae for this missense variant, however the output from this modeling did not meet the statistical confidence thresholds required to predict the impact of this variant on ANO5 protein function. ClinVar contains an entry for this variant (Variation ID: 2050750). This variant has not been reported in the literature in individuals affected with ANO5-related conditions.